The following is an entry in ClinVar:

NM_018136.5(ASPM):c.5185C>T (p.Arg1729Trp)

Gene: ASPM (assembly factor for spindle microtubules; minus strand). Cytogenetic location: 1q31.3.
Variant type: single nucleotide variant.
Coding change: c.5185C>T on transcript NM_018136.5 (MANE Select); coding-DNA position 5185, C replaced by T.
Protein change: p.Arg1729Trp; replaces arginine 1729 with tryptophan.
Molecular consequence: missense variant. On other transcripts: intron variant (1).
Genome position (GRCh38, 1-based): chr1:197,104,066, G>A on the plus strand (C>T on the coding strand, the complement: ASPM is on the minus strand). VCF-style: chr1-197104066-G-A. GRCh37 (hg19) VCF-style: chr1-197073196-G-A.
Other names: c.4066-7902C>T (NM_001206846.2); short protein forms R1729W.
Identifiers: ClinVar variation 95889 (VCV000095889.48), dbSNP rs41299623, ClinGen allele CA149006.

ClinVar aggregate classification (germline): Benign/Likely benign. Review status: criteria provided, multiple submitters, no conflicts (2 of 4 stars). 11 submissions from 11 submitters: Benign (7); Likely benign (3). 1 of the submissions does not count toward it. Last evaluated 2026-09-01.

Conditions:
ASPM-related disorder. Also called: ASPM-related condition.
Microcephaly 5, primary, autosomal recessive (MCPH5). Also called: ASPM Primary Microcephaly. Identifiers: Orphanet 2512, MedGen C1837501, MONDO:0012106, OMIM 608716.

Allele frequency attached by ClinVar (database versions not stated): 1000 Genomes Project 0.00539; gnomAD exomes 0.00955 and 0.00978; ExAC 0.00965; 1000 Genomes Project 30x 0.00531; gnomAD 0.00808 and 0.00818; ESP Exome Variant Server 0.00938; TOPMed 0.00844.
gnomAD v4.1: 15,564 of 1,612,828 alleles (0.97%); highest among the groups gnomAD compares: Middle Eastern, 2.2%; 111 homozygotes.

Submissions (20):

CeGaT Center for Human Genetics Tuebingen
Classification: Benign. Last evaluated: 2026-09-01. Review status: criteria provided, single submitter. Criteria: CeGaT Center For Human Genetics Tuebingen Variant Classification Criteria Version 2. Collection method: clinical testing. Allele origin: germline. Affected: yes. Observed: 34 variant alleles.
Comment: ASPM: PM5, BP4, BS1, BS2

Labcorp Genetics (formerly Invitae), Labcorp
Classification: Benign. Last evaluated: 2026-02-01. Review status: criteria provided, single submitter. Criteria: Invitae Variant Classification Sherloc (09022015). Collection method: clinical testing. Allele origin: germline.

Athena Diagnostics
Classification: Benign. Last evaluated: 2024-12-05. Review status: criteria provided, single submitter. Criteria: Athena Diagnostics Criteria. Collection method: clinical testing. Allele origin: unknown.
Comment: The frequency of this variant in the general population is higher than would generally be expected for pathogenic variants in this gene.

Genome-Nilou Lab
Classification: Benign for Microcephaly 5, primary, autosomal recessive. Last evaluated: 2023-04-11. Review status: criteria provided, single submitter. Criteria: ACMG Guidelines, 2015. Collection method: clinical testing. Allele origin: germline. Affected: no.

Fulgent Genetics
Classification: Likely benign for Microcephaly 5, primary, autosomal recessive. Last evaluated: 2021-09-05. Review status: criteria provided, single submitter. Criteria: ACMG Guidelines, 2015. Collection method: clinical testing. Allele origin: unknown.

Illumina Laboratory Services, Illumina
Classification: Likely benign for Microcephaly 5, primary, autosomal recessive. Last evaluated: 2018-01-13. Review status: criteria provided, single submitter. Criteria: ICSL Variant Classification Criteria 13 December 2019. Collection method: clinical testing. Allele origin: germline.
Comment: This variant was observed in the ICSL laboratory as part of a predisposition screen in an ostensibly healthy population. It had not been previously curated by ICSL or reported in the Human Gene Mutation Database (HGMD: prior to June 1st, 2018), and was therefore a candidate for classification through an automated scoring system. Utilizing variant allele frequency, disease prevalence and penetrance estimates, and inheritance mode, an automated score was calculated to assess if this variant is too frequent to cause the disease. Based on the score and internal cut-off values, a variant classified as likely benign is not then subjected to further curation. The score for this variant resulted in a classification of likely benign for this disease.

GeneDx
Classification: Benign. Last evaluated: 2015-03-03. Review status: criteria provided, single submitter. Criteria: GeneDx Variant Classification Process June 2021. Collection method: clinical testing. Allele origin: germline. Affected: yes.

Eurofins Ntd Llc (ga)
Classification: Benign. Last evaluated: 2013-07-03. Review status: criteria provided, single submitter. Criteria: EGL Classification Definitions 2015. Collection method: clinical testing. Allele origin: germline. Observed: 1 variant allele, 1 heterozygote.

Genetic Services Laboratory, University of Chicago
Classification: Benign. Last evaluated: 2013-02-08. Review status: criteria provided, single submitter. Criteria: ACMG Guidelines, 2007. Collection method: clinical testing. Allele origin: germline. Inheritance: Autosomal recessive inheritance.

Breakthrough Genomics
Classification: Likely benign. Review status: criteria provided, single submitter. Criteria: ACMG Guidelines, 2015. Collection method: not provided. Allele origin: germline. Inheritance: Autosomal recessive inheritance. Affected: yes.

PreventionGenetics, part of Exact Sciences
Classification: Benign for ASPM-related condition. Last evaluated: 2019-03-25. Review status: no assertion criteria provided. Collection method: clinical testing. Allele origin: germline. Not counted in ClinVar's aggregate classification.
Comment: This variant is classified as benign based on ACMG/AMP sequence variant interpretation guidelines (Richards et al. 2015 PMID: 25741868, with internal and published modifications).

Dr. Peter K. Rogan Lab, Western University
No classification provided (evidence only). Condition: Acute myeloid leukemia. Review status: no classification provided. Collection method: in vitro. Allele origin: not applicable. Functional consequence: retained intron. Not counted in ClinVar's aggregate classification.

Dr. Peter K. Rogan Lab, Western University
No classification provided (evidence only). Condition: Sarcoma. Review status: no classification provided. Collection method: in vitro. Allele origin: not applicable. Functional consequence: retained intron. Not counted in ClinVar's aggregate classification.

Dr. Peter K. Rogan Lab, Western University
No classification provided (evidence only). Condition: Sarcoma. Review status: no classification provided. Collection method: in vitro. Allele origin: not applicable. Functional consequence: retained intron. Not counted in ClinVar's aggregate classification.

Dr. Peter K. Rogan Lab, Western University
No classification provided (evidence only). Condition: Thymoma. Review status: no classification provided. Collection method: in vitro. Allele origin: not applicable. Functional consequence: retained intron. Not counted in ClinVar's aggregate classification.

Dr. Peter K. Rogan Lab, Western University
No classification provided (evidence only). Condition: Ovarian serous cystadenocarcinoma. Review status: no classification provided. Collection method: in vitro. Allele origin: not applicable. Functional consequence: retained intron. Not counted in ClinVar's aggregate classification.

Dr. Peter K. Rogan Lab, Western University
No classification provided (evidence only). Condition: Gastric cancer. Review status: no classification provided. Collection method: in vitro. Allele origin: not applicable. Functional consequence: retained intron. Not counted in ClinVar's aggregate classification.

Dr. Peter K. Rogan Lab, Western University
No classification provided (evidence only). Condition: Adrenocortical carcinoma, hereditary. Review status: no classification provided. Collection method: in vitro. Allele origin: not applicable. Functional consequence: retained intron. Not counted in ClinVar's aggregate classification.

Dr. Peter K. Rogan Lab, Western University
No classification provided (evidence only). Condition: Adrenocortical carcinoma, hereditary. Review status: no classification provided. Collection method: in vitro. Allele origin: not applicable. Functional consequence: retained intron. Not counted in ClinVar's aggregate classification.

Dr. Peter K. Rogan Lab, Western University
No classification provided (evidence only). Condition: Malignant tumor of esophagus. Review status: no classification provided. Collection method: in vitro. Allele origin: not applicable. Functional consequence: retained intron. Not counted in ClinVar's aggregate classification.